The following is an entry in ClinVar:

NM_001365276.2(TNXB):c.726C>T (p.Pro242=)

Gene: TNXB (tenascin XB; minus strand). Cytogenetic location: 6p21.33.
Variant type: single nucleotide variant.
Coding change: c.726C>T on transcript NM_001365276.2 (MANE Select); coding-DNA position 726, C replaced by T.
Protein change: p.Pro242=; no amino-acid change (proline 242 retained).
Molecular consequence: synonymous variant.
Genome position (GRCh38, 1-based): chr6:32,097,127, G>A on the plus strand (C>T on the coding strand, the complement: TNXB is on the minus strand). VCF-style: chr6-32097127-G-A. GRCh37 (hg19) VCF-style: chr6-32064904-G-A.
Other names: c.726C>T, p.Pro242= (NM_019105.8).
Identifiers: ClinVar variation 1758004 (VCV001758004.5), dbSNP rs772082210, ClinGen allele CA3735799.

ClinVar aggregate classification (germline): Likely benign. Review status: criteria provided, multiple submitters, no conflicts (2 of 4 stars). 3 submissions from 3 submitters: Likely benign (2). 1 of the submissions does not count toward it. Last evaluated 2024-12-24.

Conditions:
TNXB-related disorder. Also called: TNXB-related condition.
Cardiovascular phenotype. Identifiers: MedGen CN230736.

Allele frequency attached by ClinVar (database versions not stated): TOPMed 0.00002.

Submissions (3):

Women's Health and Genetics/Laboratory Corporation of America, LabCorp
Classification: Likely benign. Last evaluated: 2024-12-24. Review status: criteria provided, single submitter. Criteria: LabCorp Variant Classification Summary - May 2015. Collection method: clinical testing. Allele origin: germline.

Ambry Genetics
Classification: Likely benign for Cardiovascular phenotype. Last evaluated: 2019-05-16. Review status: criteria provided, single submitter. Criteria: Ambry Variant Classification Scheme 2023. Collection method: clinical testing. Allele origin: germline.

PreventionGenetics, part of Exact Sciences
Classification: Likely benign for TNXB-related condition. Last evaluated: 2023-08-24. Review status: no assertion criteria provided. Collection method: clinical testing. Allele origin: germline. Not counted in ClinVar's aggregate classification.
Comment: This variant is classified as likely benign based on ACMG/AMP sequence variant interpretation guidelines (Richards et al. 2015 PMID: 25741868, with internal and published modifications).